The following is an entry in ClinVar:

ClinVar aggregate classification (germline): Pathogenic (1 of 4 stars; one submission).

Submission:

GeneDx
Classification: Pathogenic. Last evaluated: 2019-06-17. Review status: criteria provided, single submitter. Criteria: GeneDx Variant Classification (06012015). Collection method: clinical testing. Allele origin: germline. Affected: yes.
Comment: The c.886delG variant in the IQSEC2 gene has not been reported previously as a pathogenic variant nor as a benign variant, to our knowledge. The c.886delG variant causes a frameshift starting with codon Alanine 296, changes this amino acid to a Histidine residue, and creates a premature Stop codon at position 10 of the new reading frame, denoted p.Ala296HisfsX10. This variant is predicted to cause loss of normal protein function either through protein truncation or nonsense-mediated mRNA decay. The c.886delG variant is not observed in large population cohorts (Lek et al., 2016). We interpret c.886delG as a likely pathogenic variant.

NM_001111125.3(IQSEC2):c.886del (p.Ala296fs)

Gene: IQSEC2 (IQ motif and Sec7 domain ArfGEF 2; minus strand). Cytogenetic location: Xp11.22.
Variant type: Deletion.
Coding change: c.886del on transcript NM_001111125.3 (MANE Select); coding-DNA position 886, one base deleted (G; older notation c.886delG).
Protein change: p.Ala296fs; shifts the reading frame from alanine 296.
Molecular consequence: frameshift variant.
Genome position (GRCh38, 1-based): chrX:53,255,913, C deleted on the plus strand (G on the coding strand, the reverse complement: IQSEC2 is on the minus strand); the first of 3 consecutive C bases (chrX:53,255,913-53,255,915); deleting any one gives the same sequence. VCF-style (leftmost placement, unchanged base first): chrX-53255912-GC-G. GRCh37 (hg19) VCF-style: chrX-53285094-GC-G.
Other names: c.271del, p.Ala91fs (NM_015075.2); short protein forms A296fs, A91fs.
Identifiers: ClinVar variation 817317 (VCV000817317.1), dbSNP rs1602293563, ClinGen allele CA915951103.